The following is an entry in ClinVar:

NM_000059.4(BRCA2):c.1164_1481del (p.Pro389_Val494del)

Gene: BRCA2 (BRCA2 DNA repair associated; plus strand). Cytogenetic location: 13q13.1.
Variant type: Deletion.
Coding change: c.1164_1481del on transcript NM_000059.4 (MANE Select); coding-DNA positions 1164 to 1481, 318 bases deleted.
Protein change: p.Pro389_Val494del.
Molecular consequence: inframe deletion. On other transcripts: non-coding transcript variant (1), intron variant (1).
Genome position (GRCh38, 1-based): chr13:32,332,642-32,332,959, 318 bases deleted. GRCh37 (hg19): chr13:32,906,779-32,907,096.
Other names: c.1164_1481del, p.Pro389_Val494del (NM_001406720.1, NM_001406719.1, NM_001406721.1); c.424+1612_424+1929del (NM_001406722.1).
Identifiers: ClinVar variation 2451563 (VCV002451563.2), dbSNP rs2548519705, ClinGen allele CA2580086945.

ClinVar aggregate classification (germline): Uncertain significance (1 of 4 stars; one submission).

Conditions:
Hereditary cancer-predisposing syndrome. Also called: Neoplastic Syndromes, Hereditary; Tumor predisposition; Hereditary neoplastic syndrome; Hereditary Cancer Syndrome. Identifiers: Orphanet 140162, MedGen C0027672, MeSH D009386, MONDO:0015356.

Submission:

Ambry Genetics
Classification: Uncertain significance for Hereditary cancer-predisposing syndrome. Last evaluated: 2023-03-08. Review status: criteria provided, single submitter. Criteria: Ambry Variant Classification Scheme 2023. Collection method: clinical testing. Allele origin: germline.
Comment: The c.1164_1481del318 variant (also known as p.P389_V494del) is located in coding exon 9 of the BRCA2 gene. This variant results from an in-frame deletion of 318 nucleotides at positions 1164 to 1481. This results in the in-frame deletion of 106 amino acids at codons 389 to 494. Since supporting evidence is limited at this time, the clinical significance of this alteration remains unclear.